The following is an entry in ClinVar:

NM_206933.4(USH2A):c.3517_3518del (p.Ser1173fs)

Genes: USH2A (usherin; minus strand), USH2A-AS1 (USH2A antisense RNA 1; plus strand). Cytogenetic location: 1q41.
Variant type: Microsatellite.
Coding change: c.3517_3518del on transcript NM_206933.4 (MANE Select); coding-DNA positions 3517 to 3518, 2 bases deleted (TC; older notation c.3517_3518delTC).
Protein change: p.Ser1173fs; shifts the reading frame from serine 1173.
Molecular consequence: frameshift variant.
Genome position (GRCh38, 1-based): chr1:216,199,920-216,199,921, GA deleted on the plus strand (TC on the coding strand, the reverse complement: USH2A is on the minus strand); deleting any 2 consecutive bases within chr1:216,199,920-216,199,924 gives the same sequence; the c. name uses the placement nearest the transcript's 3' end. VCF-style (leftmost placement, unchanged base first): chr1-216199919-TGA-T. GRCh37 (hg19) VCF-style: chr1-216373261-TGA-T.
Other names: c.3517_3518del, p.Ser1173fs (NM_007123.6); short protein forms S1173fs.
Identifiers: ClinVar variation 1724740 (VCV001724740.2), dbSNP rs2528046555, ClinGen allele CA2580611233.

ClinVar aggregate classification (germline): Likely pathogenic (1 of 4 stars; one submission).

Conditions:
Usher syndrome type 2A. Also called: RETINAL DISEASE IN USHER SYNDROME TYPE IIA, MODIFIER OF; USHER SYNDROME, TYPE IIA. Identifiers: Orphanet 231178, Orphanet 886, MedGen C1848634, MONDO:0010169, OMIM 276901.

Submission:

Myriad Genetics, Inc.
Classification: Likely pathogenic for Usher syndrome type 2A. Last evaluated: 2022-02-25. Review status: criteria provided, single submitter. Criteria: Myriad Women's Health Autosomal Recessive and X-Linked Classification Criteria (2021). Collection method: clinical testing. Allele origin: unknown.
Comment: NM_206933.2(USH2A):c.3517_3518delTC(S1173Kfs*29) is expected to be pathogenic in the context of USH2A-related disorders. This variant is predicted to lead to an abnormal or absent protein product due to the creation of a premature termination codon in USH2A, a gene where loss-of-function variants are known to be pathogenic. Please note: this variant was assessed in the context of healthy population screening.